The following is an entry in ClinVar:

NM_004667.6(HERC2):c.1069G>A (p.Glu357Lys)

Gene: HERC2 (HECT and RLD domain containing E3 ubiquitin protein ligase 2; minus strand). Cytogenetic location: 15q13.1.
Variant type: single nucleotide variant.
Coding change: c.1069G>A on transcript NM_004667.6 (MANE Select); coding-DNA position 1069, G replaced by A.
Protein change: p.Glu357Lys; replaces glutamic acid 357 with lysine.
Molecular consequence: missense variant.
Genome position (GRCh38, 1-based): chr15:28,272,229, C>T on the plus strand (G>A on the coding strand, the complement: HERC2 is on the minus strand). VCF-style: chr15-28272229-C-T. GRCh37 (hg19) VCF-style: chr15-28517375-C-T.
Other names: short protein forms E357K.
Identifiers: ClinVar variation 3370913 (VCV003370913.2).

ClinVar aggregate classification (germline): Uncertain significance (1 of 4 stars; one submission).

Submission:

GeneDx
Classification: Uncertain significance. Last evaluated: 2026-10-15. Review status: criteria provided, single submitter. Criteria: GeneDx Variant Classification Process June 2021. Collection method: clinical testing. Allele origin: germline.
Comment: Not observed at significant frequency in large population cohorts (gnomAD); In silico analysis suggests that this missense variant does not alter protein structure/function; Has not been previously published as pathogenic or benign to our knowledge